The following is an entry in ClinVar:

ClinVar aggregate classification (germline): Uncertain significance (1 of 4 stars; one submission).

Conditions:
Ullrich congenital muscular dystrophy 2 (UCMD2). Identifiers: Orphanet 75840, MedGen C4225314, MONDO:0014654, OMIM 616470.
Bethlem myopathy 2 (BTHLM2). Identifiers: Orphanet 536516, Orphanet 610, MedGen C4225313, MONDO:0034022, OMIM 616471.

Submission:

Labcorp Genetics (formerly Invitae), Labcorp
Classification: Uncertain significance for Bethlem myopathy 2; Ullrich congenital muscular dystrophy 2. Last evaluated: 2025-02-23. Review status: criteria provided, single submitter. Criteria: Invitae Variant Classification Sherloc (09022015). Collection method: clinical testing. Allele origin: germline.
Comment: This sequence change replaces valine, which is neutral and non-polar, with alanine, which is neutral and non-polar, at codon 2366 of the COL12A1 protein (p.Val2366Ala). This variant is not present in population databases (gnomAD no frequency). This variant has not been reported in the literature in individuals affected with COL12A1-related conditions. Invitae Evidence Modeling of protein sequence and biophysical properties (such as structural, functional, and spatial information, amino acid conservation, physicochemical variation, residue mobility, and thermodynamic stability) has been performed for this missense variant. However, the output from this modeling did not meet the statistical confidence thresholds required to predict the impact of this variant on COL12A1 protein function. In summary, the available evidence is currently insufficient to determine the role of this variant in disease. Therefore, it has been classified as a Variant of Uncertain Significance.

NM_004370.6(COL12A1):c.7097T>C (p.Val2366Ala)

Genes: COL12A1 (collagen type XII alpha 1 chain; minus strand), LOC126859712 (MED14-independent group 3 enhancer GRCh37_chr6:75828643-75829842; plus strand). Cytogenetic location: 6q13.
Variant type: single nucleotide variant.
Coding change: c.7097T>C on transcript NM_004370.6 (MANE Select); coding-DNA position 7097, T replaced by C.
Protein change: p.Val2366Ala; replaces valine 2366 with alanine.
Molecular consequence: missense variant.
Genome position (GRCh38, 1-based): chr6:75,119,463, A>G on the plus strand (T>C on the coding strand, the complement: COL12A1 is on the minus strand). VCF-style: chr6-75119463-A-G. GRCh37 (hg19) VCF-style: chr6-75829179-A-G.
Other names: c.7097T>C, p.Val2366Ala (NM_001424113.1); c.7076T>C, p.Val2359Ala (NM_001424114.1); c.6824T>C, p.Val2275Ala (NM_001424115.1); c.3605T>C, p.Val1202Ala (NM_001424116.1, NM_080645.3); short protein forms V2359A, V2366A, V2275A, V1202A.
Identifiers: ClinVar variation 4788744 (VCV004788744.1).